The following is an entry in ClinVar:

ClinVar aggregate classification (germline): Likely benign (1 of 4 stars; one submission).

Conditions:
LRRC45-related disorder. Also called: LRRC45-related condition.

gnomAD v4.1: 48 of 1,610,104 alleles (0.003%); highest among the groups gnomAD compares: Admixed American, 0.022%; no homozygotes.

Submission:

PreventionGenetics, part of Exact Sciences
Classification: Likely benign for LRRC45-related condition. Last evaluated: 2025-01-30. Review status: criteria provided, single submitter. Criteria: ACMG Guidelines, 2015. Collection method: clinical testing. Allele origin: germline.
Comment: This variant is classified as likely benign based on ACMG/AMP sequence variant interpretation guidelines (Richards et al. 2015 PMID: 25741868, with internal and published modifications).

NM_144999.4(LRRC45):c.837G>A (p.Ala279=)

Gene: LRRC45 (leucine rich repeat containing 45; plus strand). Cytogenetic location: 17q25.3.
Variant type: single nucleotide variant.
Coding change: c.837G>A on transcript NM_144999.4 (MANE Select); coding-DNA position 837, G replaced by A.
Protein change: p.Ala279=; no amino-acid change (alanine 279 retained).
Molecular consequence: synonymous variant.
Genome position (GRCh38, 1-based): chr17:82,027,677, G>A. VCF-style: chr17-82027677-G-A. GRCh37 (hg19) VCF-style: chr17-79985553-G-A.
Identifiers: ClinVar variation 4980020 (VCV004980020.1).